The following is an entry in ClinVar:

NM_014639.4(SKIC3):c.3464_3465del (p.Lys1155fs)

Gene: SKIC3 (SKI3 subunit of superkiller complex; minus strand). Cytogenetic location: 5q15.
Variant type: Deletion.
Coding change: c.3464_3465del on transcript NM_014639.4 (MANE Select); coding-DNA positions 3464 to 3465, 2 bases deleted (AA; older notation c.3464_3465delAA).
Protein change: p.Lys1155fs; shifts the reading frame from lysine 1155.
Molecular consequence: frameshift variant.
Genome position (GRCh38, 1-based): chr5:95,498,468-95,498,469, TT deleted on the plus strand (AA on the coding strand, the reverse complement: SKIC3 is on the minus strand); deleting any 2 consecutive bases within chr5:95,498,468-95,498,470 gives the same sequence; the c. name uses the placement nearest the transcript's 3' end. VCF-style (leftmost placement, unchanged base first): chr5-95498467-CTT-C. GRCh37 (hg19) VCF-style: chr5-94834171-CTT-C.
Other names: short protein forms K1155fs.
Identifiers: ClinVar variation 2734748 (VCV002734748.5), dbSNP rs749337189, ClinGen allele CA3346722.

ClinVar aggregate classification (germline): Pathogenic. Review status: criteria provided, multiple submitters, no conflicts (2 of 4 stars). 2 submissions from 2 submitters: Pathogenic (2). Last evaluated 2024-10-24.

Conditions:
Trichohepatoenteric syndrome 1 (THES1). Also called: DIARRHEA, FATAL INFANTILE, WITH TRICHORRHEXIS NODOSA. Identifiers: Orphanet 84064, MedGen C4551982, MONDO:0024541, OMIM 222470.

Submissions (2):

Labcorp Genetics (formerly Invitae), Labcorp
Classification: Pathogenic. Last evaluated: 2024-10-24. Review status: criteria provided, single submitter. Criteria: Invitae Variant Classification Sherloc (09022015). Collection method: clinical testing. Allele origin: germline.
Comment: This sequence change creates a premature translational stop signal (p.Lys1155Argfs*3) in the TTC37 gene. It is expected to result in an absent or disrupted protein product. Loss-of-function variants in TTC37 are known to be pathogenic (PMID: 20176027, 21120949). This variant is present in population databases (rs749337189, gnomAD 0.07%). This premature translational stop signal has been observed in individual(s) with trichohepatoenteric syndrome (PMID: 26945392). This variant is also known as Del 3464-5AA (Del K1155H Fs*2). For these reasons, this variant has been classified as Pathogenic.

Juno Genomics, Hangzhou Juno Genomics, Inc
Classification: Pathogenic for Trichohepatoenteric syndrome 1. Review status: criteria provided, single submitter. Criteria: ACMG Guidelines, 2015. Collection method: clinical testing. Allele origin: germline.
Comment: Absent from controls (or at extremely low frequency if recessive) in Genome Aggregation Database.;Null variant in a gene where loss of function (LOF) is a known mechanism of disease.;For recessive disorders, detected in trans with a pathogenic variant.

Literature cited by the submitters: PubMed 20176027 (cited by Labcorp Genetics (formerly Invitae), Labcorp); PubMed 21120949 (cited by Labcorp Genetics (formerly Invitae), Labcorp); PubMed 26945392 (cited by Labcorp Genetics (formerly Invitae), Labcorp).